The following is an entry in ClinVar:

NM_000380.4(XPA):c.757G>T (p.Glu253Ter)

Gene: XPA (XPA, DNA damage recognition and repair factor; minus strand). Cytogenetic location: 9q22.33.
Variant type: single nucleotide variant.
Coding change: c.757G>T on transcript NM_000380.4 (MANE Select); coding-DNA position 757, G replaced by T.
Protein change: p.Glu253Ter; replaces glutamic acid 253 with a stop codon.
Molecular consequence: nonsense. On other transcripts: non-coding transcript variant (5).
Genome position (GRCh38, 1-based): chr9:97,675,504, C>A on the plus strand (G>T on the coding strand, the complement: XPA is on the minus strand). VCF-style: chr9-97675504-C-A. GRCh37 (hg19) VCF-style: chr9-100437786-C-A.
Other names: c.631G>T, p.Glu211Ter (NM_001354975.2); short protein forms E253*, E211*.
Identifiers: ClinVar variation 5004506 (VCV005004506.1).
Genomic context (GRCh38, chr9:97,675,504, plus strand): 5'-TTTTTTCATATGTCAGTTCATGGCCACACATAGTACAAGTCTTACGGTACATGTCATCTT[C>A]TAGGTTTTCTTCTGGTCCATACTCATGTTGATGAACAATCGTCTCCCTTTTCCACACGCT-3'

ClinVar aggregate classification (germline): Pathogenic (1 of 4 stars; one submission).

Conditions:
Xeroderma pigmentosum group A (XPA). Also called: XPA-Related Xeroderma Pigmentosum; Xeroderma pigmentosum, complementation group A; XP, group A. Identifiers: Orphanet 910, MedGen C0268135, MONDO:0010210, OMIM 278700.

gnomAD v4.1: 1 of 1,613,970 alleles (0.000062%); highest among the groups gnomAD compares: Non-Finnish European, 0.000085%; no homozygotes.

Submission:

Myriad Genetics, Inc.
Classification: Pathogenic for Xeroderma pigmentosum group A. Last evaluated: 2026-03-03. Review status: criteria provided, single submitter. Criteria: Myriad Autosomal Dominant, Autosomal Recessive and X-Linked Classification Criteria (2023). Collection method: clinical testing. Allele origin: unknown.
Comment: NM_000380.3(XPA):c.757G>T(E253*) is a nonsense variant classified as pathogenic in the context of xeroderma pigmentosum group A. E253* has not been observed in cases with relevant disease. Relevant functional assessments of this variant are not available in the literature. E253* has not been observed in referenced population frequency databases. In summary, NM_000380.3(XPA):c.757G>T(E253*) is a nonsense variant in a gene where loss of function is a known mechanism of disease and is predicted to disrupt protein function. Please note: this variant was assessed in the context of healthy population screening.